The following is an entry in ClinVar:

NM_001405760.1(OR52I2):c.473T>C (p.Ile158Thr)

Gene: OR52I2 (olfactory receptor family 52 subfamily I member 2; plus strand). Cytogenetic location: 11p15.4.
Variant type: single nucleotide variant.
Coding change: c.473T>C on transcript NM_001405760.1 (MANE Select); coding-DNA position 473, T replaced by C.
Protein change: p.Ile158Thr; replaces isoleucine 158 with threonine.
Molecular consequence: missense variant.
Genome position (GRCh38, 1-based): chr11:4,587,363, T>C. VCF-style: chr11-4587363-T-C. GRCh37 (hg19) VCF-style: chr11-4608593-T-C.
Other names: c.473T>C, p.Ile158Thr (NM_001005170.4); short protein forms I158T, I184T.
Identifiers: ClinVar variation 2345165 (VCV002345165.27), dbSNP rs779246501, ClinGen allele CA5833419.

ClinVar aggregate classification (germline): Likely benign. Review status: criteria provided, multiple submitters, no conflicts (2 of 4 stars). 2 submissions from 2 submitters: Likely benign (2). Last evaluated 2022-12-01.

Allele frequency attached by ClinVar (database versions not stated): gnomAD exomes 0.00007; ExAC 0.00010; 1000 Genomes Project 30x 0.00874.

Submissions (2):

CeGaT Center for Human Genetics Tuebingen
Classification: Likely benign. Last evaluated: 2022-12-01. Review status: criteria provided, single submitter. Criteria: CeGaT Center For Human Genetics Tuebingen Variant Classification Criteria Version 2. Collection method: clinical testing. Allele origin: germline. Affected: yes. Observed: 1 variant allele.
Comment: OR52I2: BP4, BS2

Ambry Genetics
Classification: Likely benign. Last evaluated: 2021-09-01. Review status: criteria provided, single submitter. Criteria: Ambry Variant Classification Scheme 2023. Collection method: clinical testing. Allele origin: germline.